The following is an entry in ClinVar:

Conditions:
Long QT syndrome 5 (LQT5). Identifiers: Orphanet 101016, Orphanet 768, MedGen C1867904, MONDO:0013372, OMIM 613695.

Submission:

Roden Lab, Vanderbilt University Medical Center
No classification provided (evidence only). Condition: Long QT syndrome 5. Review status: no classification provided. Collection method: in vitro. Allele origin: not applicable. Functional consequence: Effect on ion channel function.
ClinVar note: "not provided" was previously submitted as the classification for the variant. However, the classification appeared to be based only on an observation of functional data so it was converted to no classification on 2025-07-30.

NM_000219.6(KCNE1):c.244A>C (p.Ile82Leu)

Gene: KCNE1 (potassium voltage-gated channel subfamily E regulatory subunit 1; minus strand). Cytogenetic location: 21q22.12.
Variant type: single nucleotide variant.
Coding change: c.244A>C on transcript NM_000219.6 (MANE Select); coding-DNA position 244, A replaced by C.
Protein change: p.Ile82Leu; replaces isoleucine 82 with leucine.
Molecular consequence: missense variant.
Genome position (GRCh38, 1-based): chr21:34,449,391, T>G on the plus strand (A>C on the coding strand, the complement: KCNE1 is on the minus strand). VCF-style: chr21-34449391-T-G. GRCh37 (hg19) VCF-style: chr21-35821689-T-G.
Other names: c.244A>C, p.Ile82Leu (NM_001127668.4, NM_001127669.4, NM_001127670.4 and 4 more transcripts); short protein forms I82L.
Identifiers: ClinVar variation 3374423 (VCV003374423.2).